The following is an entry in ClinVar:

ClinVar aggregate classification (germline): Pathogenic (1 of 4 stars; one submission).

Submission:

Labcorp Genetics (formerly Invitae), Labcorp
Classification: Pathogenic. Last evaluated: 2023-04-15. Review status: criteria provided, single submitter. Criteria: Invitae Variant Classification Sherloc (09022015). Collection method: clinical testing. Allele origin: germline.
Comment: For these reasons, this variant has been classified as Pathogenic. This sequence change creates a premature translational stop signal (p.Tyr1144*) in the COL7A1 gene. It is expected to result in an absent or disrupted protein product. Loss-of-function variants in COL7A1 are known to be pathogenic (PMID: 16971478). This variant is not present in population databases (gnomAD no frequency). This variant has not been reported in the literature in individuals affected with COL7A1-related conditions.

Literature cited by the submitters: PubMed 16971478.

NM_000094.4(COL7A1):c.3432C>A (p.Tyr1144Ter)

Gene: COL7A1 (collagen type VII alpha 1 chain; minus strand). Cytogenetic location: 3p21.31.
Variant type: single nucleotide variant.
Coding change: c.3432C>A on transcript NM_000094.4 (MANE Select); coding-DNA position 3432, C replaced by A.
Protein change: p.Tyr1144Ter; replaces tyrosine 1144 with a stop codon.
Molecular consequence: nonsense.
Genome position (GRCh38, 1-based): chr3:48,586,450, G>T on the plus strand (C>A on the coding strand, the complement: COL7A1 is on the minus strand). VCF-style: chr3-48586450-G-T. GRCh37 (hg19) VCF-style: chr3-48623883-G-T.
Other names: short protein forms Y1144*.
Identifiers: ClinVar variation 2856744 (VCV002856744.3), dbSNP rs199679633, ClinGen allele CA352705825.